The following is an entry in ClinVar:

ClinVar aggregate classification (germline): Uncertain significance. Review status: criteria provided, multiple submitters, no conflicts (2 of 4 stars). 2 submissions from 2 submitters: Uncertain significance (2). Last evaluated 2025-03-26.

Conditions:
Cardiovascular phenotype. Identifiers: MedGen CN230736.
Autosomal recessive limb-girdle muscular dystrophy type 2J (LGMDR10). Also called: MUSCULAR DYSTROPHY, LIMB-GIRDLE, AUTOSOMAL RECESSIVE 10; Limb-girdle muscular dystrophy, type 2J. Identifiers: Orphanet 140922, MedGen C1837342, MONDO:0012127, OMIM 608807.
Dilated cardiomyopathy 1G (CMD1G). Identifiers: Orphanet 154, MedGen C1858763, MONDO:0011400, OMIM 604145.

Allele frequency attached by ClinVar (database versions not stated): gnomAD 0.00001.

Submissions (2):

Labcorp Genetics (formerly Invitae), Labcorp
Classification: Uncertain significance for Dilated cardiomyopathy 1G; Autosomal recessive limb-girdle muscular dystrophy type 2J. Last evaluated: 2025-03-26. Review status: criteria provided, single submitter. Criteria: Invitae Variant Classification Sherloc (09022015). Collection method: clinical testing. Allele origin: germline.
Comment: This sequence change falls in intron 35 of the TTN gene. It does not directly change the encoded amino acid sequence of the TTN protein. It affects a nucleotide within the consensus splice site. This variant is present in population databases (no rsID available, gnomAD 0.01%). This variant has not been reported in the literature in individuals affected with TTN-related conditions. ClinVar contains an entry for this variant (Variation ID: 1762599). Variants that disrupt the consensus splice site are a relatively common cause of aberrant splicing (PMID: 17576681, 9536098). Algorithms developed to predict the effect of sequence changes on RNA splicing suggest that this variant is not likely to affect RNA splicing. This variant is located in the I band of TTN (PMID: 25589632). Non-truncating variants in this region may be clinically relevant, but have not been definitively shown to cause cardiomyopathy or neuromuscular disease (PMID: 27493940, 32778822). In summary, the available evidence is currently insufficient to determine the role of this variant in disease. Therefore, it has been classified as a Variant of Uncertain Significance.

Ambry Genetics
Classification: Uncertain significance for Cardiovascular phenotype. Last evaluated: 2020-02-18. Review status: criteria provided, single submitter. Criteria: Ambry Variant Classification Scheme 2023. Collection method: clinical testing. Allele origin: germline.
Comment: The c.8242+3A>G intronic variant results from an A to G substitution 3 nucleotides after coding exon 33 in the TTN gene. This nucleotide position is well conserved in available vertebrate species. Using the BDGP and ESEfinder splice site prediction tools, this alteration is predicted to weaken the efficiency of the native splice donor site; however, direct evidence is unavailable. Since supporting evidence is limited at this time, the clinical significance of this alteration remains unclear.

Literature cited by the submitters: PubMed 17576681 (cited by Labcorp Genetics (formerly Invitae), Labcorp); PubMed 9536098 (cited by Labcorp Genetics (formerly Invitae), Labcorp); PubMed 25589632 (cited by Labcorp Genetics (formerly Invitae), Labcorp); PubMed 27493940 (cited by Labcorp Genetics (formerly Invitae), Labcorp); PubMed 32778822 (cited by Labcorp Genetics (formerly Invitae), Labcorp).

NM_001267550.2(TTN):c.8380+3A>G

Gene: TTN (titin; minus strand). Cytogenetic location: 2q31.2.
Variant type: single nucleotide variant.
Coding change: c.8380+3A>G on transcript NM_001267550.2 (MANE Select); 3 bases into the intron after coding-DNA position 8380, A replaced by G.
Molecular consequence: intron variant.
Genome position (GRCh38, 1-based): chr2:178,770,409, T>C on the plus strand (A>G on the coding strand, the complement: TTN is on the minus strand). VCF-style: chr2-178770409-T-C. GRCh37 (hg19) VCF-style: chr2-179635136-T-C.
Other names: c.8242+3A>G (NM_003319.4, NM_133437.4, NM_133432.3); c.8380+3A>G (NM_133378.4, NM_001256850.1, NM_133379.5).
Identifiers: ClinVar variation 1762599 (VCV001762599.3), dbSNP rs1251380443, ClinGen allele CA538438170.